The following is an entry in ClinVar:

ClinVar aggregate classification (germline): Benign. Review status: criteria provided, multiple submitters, no conflicts (2 of 4 stars). 7 submissions from 7 submitters: Benign (6). 1 of the submissions does not count toward it. Last evaluated 2026-02-03.

Conditions:
GSR-related disorder. Also called: GSR-related condition.
Hemolytic anemia due to glutathione reductase deficiency (CNSHA10). Also called: ANEMIA, CONGENITAL, NONSPHEROCYTIC HEMOLYTIC, 10. Identifiers: Orphanet 90030, MedGen C5231513, MONDO:0019531, OMIM 618660.

Allele frequency attached by ClinVar (database versions not stated): TOPMed 0.40224; ESP Exome Variant Server 0.40512; gnomAD 0.41377 and 0.41711; 1000 Genomes Project 0.42392; 1000 Genomes Project 30x 0.42458; ExAC 0.44941.
gnomAD v4.1: 705,711 of 1,572,768 alleles (45%); highest among the groups gnomAD compares: Admixed American, 46%; 160,222 homozygotes.

Submissions (7):

Labcorp Genetics (formerly Invitae), Labcorp
Classification: Benign. Last evaluated: 2026-02-03. Review status: criteria provided, single submitter. Criteria: Invitae Variant Classification Sherloc (09022015). Collection method: clinical testing. Allele origin: germline.

ARUP Laboratories, Molecular Genetics and Genomics, ARUP Laboratories
Classification: Benign for Hemolytic anemia due to glutathione reductase deficiency. Last evaluated: 2025-07-31. Review status: criteria provided, single submitter. Criteria: ARUP Molecular Germline Variant Investigation Process 2024. Collection method: clinical testing. Allele origin: germline.

Genome-Nilou Lab
Classification: Benign for Hemolytic anemia due to glutathione reductase deficiency. Last evaluated: 2021-08-10. Review status: criteria provided, single submitter. Criteria: ACMG Guidelines, 2015. Collection method: clinical testing. Allele origin: germline. Affected: no.

GeneDx
Classification: Benign. Last evaluated: 2018-11-12. Review status: criteria provided, single submitter. Criteria: GeneDx Variant Classification Process June 2021. Collection method: clinical testing. Allele origin: germline. Affected: yes.

Mayo Clinic Laboratories, Mayo Clinic
Classification: Benign. Last evaluated: 2016-05-02. Review status: criteria provided, single submitter. Criteria: ACMG Guidelines, 2015. Collection method: clinical testing. Allele origin: germline. Observed: 1,384 variant alleles.

Breakthrough Genomics
Classification: Benign. Review status: criteria provided, single submitter. Criteria: ACMG Guidelines, 2015. Collection method: not provided. Allele origin: germline. Inheritance: Autosomal recessive inheritance. Affected: yes.

PreventionGenetics, part of Exact Sciences
Classification: Benign for GSR-related condition. Last evaluated: 2019-03-06. Review status: no assertion criteria provided. Collection method: clinical testing. Allele origin: germline. Not counted in ClinVar's aggregate classification.
Comment: This variant is classified as benign based on ACMG/AMP sequence variant interpretation guidelines (Richards et al. 2015 PMID: 25741868, with internal and published modifications).

NM_000637.5(GSR):c.696-10C>T

Gene: GSR (glutathione-disulfide reductase; minus strand). Cytogenetic location: 8p12.
Variant type: single nucleotide variant.
Coding change: c.696-10C>T on transcript NM_000637.5 (MANE Select); 10 bases into the intron before coding-DNA position 696, C replaced by T.
Molecular consequence: intron variant.
Genome position (GRCh38, 1-based): chr8:30,696,489, G>A on the plus strand (C>T on the coding strand, the complement: GSR is on the minus strand). VCF-style: chr8-30696489-G-A. GRCh37 (hg19) VCF-style: chr8-30554006-G-A.
Other names: p.?; c.696-10C>T (NM_001195104.3, NM_001195102.3, NM_001195103.3 and 1 more transcripts).
Identifiers: ClinVar variation 439766 (VCV000439766.30), dbSNP rs8190996, ClinGen allele CA4701413.